The following is an entry in ClinVar:

NM_000324.3(RHAG):c.1015G>A (p.Val339Ile)

Gene: RHAG (Rh associated glycoprotein; minus strand). Cytogenetic location: 6p12.3.
Variant type: single nucleotide variant.
Coding change: c.1015G>A on transcript NM_000324.3 (MANE Select); coding-DNA position 1015, G replaced by A.
Protein change: p.Val339Ile; replaces valine 339 with isoleucine.
Molecular consequence: missense variant.
Genome position (GRCh38, 1-based): chr6:49,611,076, C>T on the plus strand (G>A on the coding strand, the complement: RHAG is on the minus strand). VCF-style: chr6-49611076-C-T. GRCh37 (hg19) VCF-style: chr6-49578789-C-T.
Other names: short protein forms V339I.
Identifiers: ClinVar variation 2975144 (VCV002975144.4), dbSNP rs1319917367, ClinGen allele CA364397482.
Genomic context (GRCh38, chr6:49,611,076, plus strand): 5'-TTACTCACGTGTTGGAGGCGCCCATTGCTACTGCCACAATGCCTGCAAGGCCTCCCACTA[C>T]ACCAGGTAAGCCGTGGAGGTTATGGACCCCACATGTATCATGGATCCTCAGTTTAGTAGT-3'
Protein context (NP_000315.2, residues 329-349): GVHNLHGLPG[Val339Ile]VGGLAGIVAV

ClinVar aggregate classification (germline): Uncertain significance. Review status: criteria provided, multiple submitters, no conflicts (2 of 4 stars). 2 submissions from 2 submitters: Uncertain significance (2). Last evaluated 2025-09-10.

Allele frequency attached by ClinVar (database versions not stated): gnomAD exomes below 0.00001; gnomAD 0.00001.
gnomAD v4.1: 8 of 1,613,790 alleles (0.0005%); highest among the groups gnomAD compares: Admixed American, 0.0017%; no homozygotes.

Submissions (2):

Labcorp Genetics (formerly Invitae), Labcorp
Classification: Uncertain significance. Last evaluated: 2025-09-10. Review status: criteria provided, single submitter. Criteria: Invitae Variant Classification Sherloc (09022015). Collection method: clinical testing. Allele origin: germline.
Comment: This sequence change replaces valine, which is neutral and non-polar, with isoleucine, which is neutral and non-polar, at codon 339 of the RHAG protein (p.Val339Ile). This variant is present in population databases (no rsID available, gnomAD 0.004%). This variant has not been reported in the literature in individuals affected with RHAG-related conditions. ClinVar contains an entry for this variant (Variation ID: 2975144). Invitae Evidence Modeling of protein sequence and biophysical properties (such as structural, functional, and spatial information, amino acid conservation, physicochemical variation, residue mobility, and thermodynamic stability) indicates that this missense variant is not expected to disrupt RHAG protein function with a negative predictive value of 80%. In summary, the available evidence is currently insufficient to determine the role of this variant in disease. Therefore, it has been classified as a Variant of Uncertain Significance.

Ambry Genetics
Classification: Uncertain significance. Last evaluated: 2024-07-31. Review status: criteria provided, single submitter. Criteria: Ambry Variant Classification Scheme 2023. Collection method: clinical testing. Allele origin: germline.